The following is an entry in ClinVar:

ClinVar aggregate classification (germline): Likely benign. Review status: criteria provided, multiple submitters, no conflicts (2 of 4 stars). 3 submissions from 3 submitters: Likely benign (3). Last evaluated 2025-11-01.

Conditions:
COL11A2-related disorder. Also called: COL11A2-related condition; COL11A2-related disorders.

Allele frequency attached by ClinVar (database versions not stated): ExAC 0.00001; gnomAD exomes 0.00001; gnomAD 0.00002; TOPMed 0.00002.
gnomAD v4.1: 14 of 1,612,902 alleles (0.00087%); highest among the groups gnomAD compares: Non-Finnish European, 0.0011%; no homozygotes.

Submissions (3):

CeGaT Center for Human Genetics Tuebingen
Classification: Likely benign. Last evaluated: 2025-11-01. Review status: criteria provided, single submitter. Criteria: CeGaT Center For Human Genetics Tuebingen Variant Classification Criteria Version 2. Collection method: clinical testing. Allele origin: germline. Affected: yes. Observed: 1 variant allele.
Comment: COL11A2: BP4, BP7

Labcorp Genetics (formerly Invitae), Labcorp
Classification: Likely benign. Last evaluated: 2025-09-29. Review status: criteria provided, single submitter. Criteria: Invitae Variant Classification Sherloc (09022015). Collection method: clinical testing. Allele origin: germline.

PreventionGenetics, part of Exact Sciences
Classification: Likely benign for COL11A2-related condition. Last evaluated: 2025-04-23. Review status: criteria provided, single submitter. Criteria: ACMG Guidelines, 2015. Collection method: clinical testing. Allele origin: germline.
Comment: This variant is classified as likely benign based on ACMG/AMP sequence variant interpretation guidelines (Richards et al. 2015 PMID: 25741868, with internal and published modifications).

NM_080680.3(COL11A2):c.93T>C (p.Pro31=)

Gene: COL11A2 (collagen type XI alpha 2 chain; minus strand). Cytogenetic location: 6p21.32.
Variant type: single nucleotide variant.
Coding change: c.93T>C on transcript NM_080680.3 (MANE Select); coding-DNA position 93, T replaced by C.
Protein change: p.Pro31=; no amino-acid change (proline 31 retained).
Molecular consequence: synonymous variant.
Genome position (GRCh38, 1-based): chr6:33,189,459, A>G on the plus strand (T>C on the coding strand, the complement: COL11A2 is on the minus strand). VCF-style: chr6-33189459-A-G. GRCh37 (hg19) VCF-style: chr6-33157236-A-G.
Other names: c.93T>C, p.Pro31= (NM_001163771.2, NM_080679.3, NM_080681.3); c.93T>C (NM_080680.2).
Identifiers: ClinVar variation 2149251 (VCV002149251.11), dbSNP rs750655079, ClinGen allele CA3751754.
Genomic context (GRCh38, chr6:33,189,459, plus strand): 5'-TTTCGCTCTCCGGACACCATCAGGGAGGGAGGGGAACCTCAGGGCCCGGAGCACATCCAC[A>G]GGGGGTGCACCTGGGAGAGTCCATGATTATCAGGAGAAGGGACATGCCCTCAGGAGGGCA-3'
Protein context (NP_542411.2, residues 21-41): SAAPGWAGAP[Pro31=]VDVLRALRFP